The following is an entry in ClinVar:

ClinVar aggregate classification (germline): Uncertain significance. Review status: criteria provided, multiple submitters, no conflicts (2 of 4 stars). 2 submissions from 2 submitters: Uncertain significance (2). Last evaluated 2023-09-04.

Conditions:
Alstrom syndrome (ALMS). Identifiers: Orphanet 64, MedGen C0268425, MONDO:0008763, OMIM 203800.

Allele frequency attached by ClinVar (database versions not stated): gnomAD exomes 0.00002.
gnomAD v4.1: 22 of 1,611,704 alleles (0.0014%); highest among the groups gnomAD compares: Non-Finnish European, 0.0018%; no homozygotes.

Submissions (2):

Blueprint Genetics
Classification: Uncertain significance. Last evaluated: 2023-09-04. Review status: criteria provided, single submitter. Criteria: ACMG Guidelines, 2015. Collection method: clinical testing. Allele origin: germline.

Labcorp Genetics (formerly Invitae), Labcorp
Classification: Uncertain significance for Alstrom syndrome. Last evaluated: 2022-07-04. Review status: criteria provided, single submitter. Criteria: Invitae Variant Classification Sherloc (09022015). Collection method: clinical testing. Allele origin: germline.
Comment: This sequence change replaces isoleucine, which is neutral and non-polar, with valine, which is neutral and non-polar, at codon 381 of the ALMS1 protein (p.Ile381Val). This variant is not present in population databases (gnomAD no frequency). This variant has not been reported in the literature in individuals affected with ALMS1-related conditions. In summary, the available evidence is currently insufficient to determine the role of this variant in disease. Therefore, it has been classified as a Variant of Uncertain Significance.

NM_001378454.1(ALMS1):c.1138A>G (p.Ile380Val)

Gene: ALMS1 (ALMS1 centrosome and basal body associated protein; plus strand). Cytogenetic location: 2p13.1.
Variant type: single nucleotide variant.
Coding change: c.1138A>G on transcript NM_001378454.1 (MANE Select); coding-DNA position 1138, A replaced by G.
Protein change: p.Ile380Val; replaces isoleucine 380 with valine.
Molecular consequence: missense variant.
Genome position (GRCh38, 1-based): chr2:73,424,803, A>G. VCF-style: chr2-73424803-A-G. GRCh37 (hg19) VCF-style: chr2-73651931-A-G.
Other names: c.1141A>G, p.Ile381Val (NM_015120.4); short protein forms I381V, I380V.
Identifiers: ClinVar variation 1899183 (VCV001899183.3), dbSNP rs776914849, ClinGen allele CA50368656.